The following is an entry in ClinVar:

ClinVar aggregate classification (germline): Conflicting classifications of pathogenicity. Review status: criteria provided, conflicting classifications (1 of 4 stars). 5 submissions from 5 submitters: Likely pathogenic (1); Uncertain significance (3). 1 of the submissions does not count toward it. Last evaluated 2025-07-16.

Conditions:
Hypotonia, infantile, with psychomotor retardation and characteristic facies 2 (IHPRF2). Also called: UNC80 Deficiency. Identifiers: Orphanet 371364, Orphanet 700333, MedGen C4225203, MONDO:0014777, OMIM 616801.

Allele frequency attached by ClinVar (database versions not stated): gnomAD exomes 0.00002 and 0.00004; gnomAD 0.00003; TOPMed 0.00003.
gnomAD v4.1: 38 of 1,551,850 alleles (0.0024%); highest among the groups gnomAD compares: Middle Eastern, 0.033%; no homozygotes.

Submissions (5):

GeneDx
Classification: Uncertain significance. Last evaluated: 2025-07-16. Review status: criteria provided, single submitter. Criteria: GeneDx Variant Classification Process June 2021. Collection method: clinical testing. Allele origin: germline. Affected: yes.
Comment: Published functional studies suggest this variant has a damaging effect on NALCN channel currents (PMID: 26708751); In silico analysis supports that this missense variant has a deleterious effect on protein structure/function; This variant is associated with the following publications: (PMID: 34426522, 31589614, 26708751, 34929720)

Women's Health and Genetics/Laboratory Corporation of America, LabCorp
Classification: Uncertain significance. Last evaluated: 2024-06-20. Review status: criteria provided, single submitter. Criteria: LabCorp Variant Classification Summary - May 2015. Collection method: clinical testing. Allele origin: germline.
Comment: Variant summary: UNC80 c.5098C>T (p.Pro1700Ser) results in a non-conservative amino acid change located in the Protein UNC80, central region (IPR045852) of the encoded protein sequence. Four of five in-silico tools predict a damaging effect of the variant on protein function. The variant allele was found at a frequency of 3.8e-05 in 157842 control chromosomes. c.5098C>T has been reported in the literature in at-least one individual affected with persistent hypotonia, encephalopathy, growth failure, and severe intellectual disability (example: Stray-Pedersen_2016). These data indicate that the variant may be associated with disease. At least one publication reports experimental evidence evaluating an impact on protein function. The most pronounced variant effect results in a damaging effect on NALCN channel currents (Stray-Pedersen _2016). The following publication has been ascertained in the context of this evaluation (PMID: 26708751). ClinVar contains an entry for this variant (Variation ID: 222010). Based on the evidence outlined above, the variant was classified as VUS-possibly pathogenic.

Labcorp Genetics (formerly Invitae), Labcorp
Classification: Uncertain significance. Last evaluated: 2022-10-05. Review status: criteria provided, single submitter. Criteria: Invitae Variant Classification Sherloc (09022015). Collection method: clinical testing. Allele origin: germline.
Comment: Experimental studies have shown that this missense change affects UNC80 function (PMID: 26708751). Advanced modeling of protein sequence and biophysical properties (such as structural, functional, and spatial information, amino acid conservation, physicochemical variation, residue mobility, and thermodynamic stability) performed at Invitae indicates that this missense variant is not expected to disrupt UNC80 protein function. ClinVar contains an entry for this variant (Variation ID: 222010). This missense change has been observed in individual(s) with UNC80-related conditions (PMID: 26708751). This variant is present in population databases (no rsID available, gnomAD 0.05%). This sequence change replaces proline with serine at codon 1700 of the UNC80 protein (p.Pro1700Ser). The proline residue is moderately conserved and there is a moderate physicochemical difference between proline and serine. In summary, the available evidence is currently insufficient to determine the role of this variant in disease. Therefore, it has been classified as a Variant of Uncertain Significance.

Lupski Lab, Baylor-Hopkins CMG, Baylor College of Medicine
Classification: Likely pathogenic for Hypotonia, infantile, with psychomotor retardation and characteristic facies 2. Last evaluated: 2016-01-07. Review status: criteria provided, single submitter. Criteria: Stray-Pedersen et al. (Am J Hum Genet 2016). Collection method: research. Allele origin: germline. Inheritance: Autosomal recessive inheritance. Affected: yes and no. Observed: 2 variant alleles, 1 heterozygote, 1 homozygote.

OMIM
Classification: Pathogenic for HYPOTONIA, INFANTILE, WITH PSYCHOMOTOR RETARDATION AND CHARACTERISTIC FACIES 2. Last evaluated: 2016-03-29. Review status: no assertion criteria provided. Collection method: literature only. Allele origin: germline. Not counted in ClinVar's aggregate classification.

Literature cited by the submitters: PubMed 26708751 (cited by 3 submitters).

NM_001371986.1(UNC80):c.5296C>T (p.Pro1766Ser)

Genes: UNC80 (unc-80 subunit of NALCN channel complex; plus strand), LOC126806490 (P300/CBP strongly-dependent group 1 enhancer GRCh37_chr2:210782411-210783610; plus strand). Cytogenetic location: 2q34.
Variant type: single nucleotide variant.
Coding change: c.5296C>T on transcript NM_001371986.1 (MANE Select); coding-DNA position 5296, C replaced by T.
Protein change: p.Pro1766Ser; replaces proline 1766 with serine.
Molecular consequence: missense variant.
Genome position (GRCh38, 1-based): chr2:209,918,616, C>T. VCF-style: chr2-209918616-C-T. GRCh37 (hg19) VCF-style: chr2-210783340-C-T.
Other names: c.5098C>T, p.Pro1700Ser (NM_032504.2); c.5083C>T, p.Pro1695Ser (NM_182587.4); short protein forms P1700S, P1695S, P1766S.
Identifiers: ClinVar variation 222010 (VCV000222010.12), dbSNP rs869025316, ClinGen allele CA357888.